The following is an entry in ClinVar:

NM_000548.5(TSC2):c.672C>T (p.Ala224=)

Gene: TSC2 (TSC complex subunit 2; plus strand). Cytogenetic location: 16p13.3.
Variant type: single nucleotide variant.
Coding change: c.672C>T on transcript NM_000548.5 (MANE Select); coding-DNA position 672, C replaced by T.
Protein change: p.Ala224=; no amino-acid change (alanine 224 retained).
Molecular consequence: synonymous variant.
Genome position (GRCh38, 1-based): chr16:2,056,667, C>T. VCF-style: chr16-2056667-C-T. GRCh37 (hg19) VCF-style: chr16-2106668-C-T.
Other names: c.672C>T, p.Ala224= (NM_001077183.3, NM_001114382.3, NM_001363528.2 and 3 more transcripts); c.561C>T, p.Ala187= (NM_001318827.2); c.525C>T, p.Ala175= (NM_001318829.2); c.72C>T, p.Ala24= (NM_001318831.2); c.705C>T, p.Ala235= (NM_001318832.2); c.672C>T (NM_000548.4).
Identifiers: ClinVar variation 413682 (VCV000413682.26), dbSNP rs138897064, ClinGen allele CA056111.

ClinVar aggregate classification (germline): Benign/Likely benign. Review status: criteria provided, multiple submitters, no conflicts (2 of 4 stars). 8 submissions from 8 submitters: Benign (3); Likely benign (5). Last evaluated 2026-08-05.

Conditions:
TSC2-related disorder. Also called: TSC2-Related Disorders; TSC2-related condition.
Hereditary cancer-predisposing syndrome. Also called: Hereditary Cancer Syndrome; Tumor predisposition; Hereditary neoplastic syndrome; Neoplastic Syndromes, Hereditary. Identifiers: Orphanet 140162, MedGen C0027672, MeSH D009386, MONDO:0015356.
Tuberous sclerosis syndrome (TSC). Also called: Tuberous sclerosis; Tuberous Sclerosis Complex. Identifiers: Orphanet 805, MedGen C0041341, MONDO:0001734.
Tuberous sclerosis 2 (TSC2). Identifiers: Orphanet 805, MedGen C1860707, MONDO:0013199, OMIM 613254.

Allele frequency attached by ClinVar (database versions not stated): gnomAD 0.00003; TOPMed 0.00006; ESP Exome Variant Server 0.00015; gnomAD exomes 0.00002; ExAC 0.00003.
gnomAD v4.1: 27 of 1,611,814 alleles (0.0017%); highest among the groups gnomAD compares: Middle Eastern, 0.016%; no homozygotes.

Submissions (8):

PreventionGenetics, part of Exact Sciences
Classification: Likely benign for TSC2-related condition. Last evaluated: 2026-08-05. Review status: criteria provided, single submitter. Criteria: ACMG Guidelines, 2015. Collection method: clinical testing. Allele origin: germline.
Comment: This variant is classified as likely benign based on ACMG/AMP sequence variant interpretation guidelines (Richards et al. 2015 PMID: 25741868, with internal and published modifications).

Labcorp Genetics (formerly Invitae), Labcorp
Classification: Benign for Tuberous sclerosis 2. Last evaluated: 2026-01-13. Review status: criteria provided, single submitter. Criteria: Invitae Variant Classification Sherloc (09022015). Collection method: clinical testing. Allele origin: germline.

Myriad Genetics, Inc.
Classification: Benign for Tuberous sclerosis 2. Last evaluated: 2025-05-09. Review status: criteria provided, single submitter. Criteria: Myriad Autosomal Dominant, Autosomal Recessive and X-Linked Classification Criteria (2023). Collection method: clinical testing. Allele origin: unknown.
Comment: This variant is considered benign. This variant is a silent/synonymous amino acid change and it is not expected to impact splicing.

All of Us Research Program, National Institutes of Health
Classification: Likely benign for Tuberous sclerosis syndrome. Last evaluated: 2023-10-27. Review status: criteria provided, single submitter. Criteria: ACMG Guidelines, 2015. Collection method: clinical testing. Allele origin: germline. Inheritance: Autosomal dominant inheritance. Observed: 1 variant allele, 1 heterozygote.
Comment: This study involves interpretation of variants in research participants for the purpose of population health screening. Participant phenotype was not available at the time of variant classification. Additional details can be found in publication PMID: 35346344, PMCID: PMC8962531

KCCC/NGS Laboratory, Kuwait Cancer Control Center
Classification: Likely benign for Tuberous sclerosis 2. Last evaluated: 2023-07-07. Review status: criteria provided, single submitter. Criteria: ACMG Guidelines, 2015. Collection method: clinical testing. Allele origin: germline. Affected: yes.

GeneDx
Classification: Likely benign. Last evaluated: 2022-05-12. Review status: criteria provided, single submitter. Criteria: GeneDx Variant Classification Process June 2021. Collection method: clinical testing. Allele origin: germline. Affected: yes.
Comment: See Variant Classification Assertion Criteria.

Genome-Nilou Lab
Classification: Benign for Tuberous sclerosis 2. Last evaluated: 2021-11-07. Review status: criteria provided, single submitter. Criteria: ACMG Guidelines, 2015. Collection method: clinical testing. Allele origin: germline. Affected: no.

Ambry Genetics
Classification: Likely benign for Hereditary cancer-predisposing syndrome. Last evaluated: 2016-12-19. Review status: criteria provided, single submitter. Criteria: Ambry Variant Classification Scheme 2023. Collection method: clinical testing. Allele origin: germline.